The following is an entry in ClinVar:

ClinVar aggregate classification (germline): Uncertain significance (1 of 4 stars; one submission).

Conditions:
Primary dilated cardiomyopathy (DCM). Also called: Dilated Cardiomyopathy. Identifiers: Orphanet 217604, MedGen C0007193, MeSH D002311, MONDO:0005021, HP:0001644. Inheritance: Various modes of inheritance.

gnomAD v4.1: 1 of 1,614,108 alleles (0.000062%); no homozygotes.

Submission:

Labcorp Genetics (formerly Invitae), Labcorp
Classification: Uncertain significance for Primary dilated cardiomyopathy. Last evaluated: 2022-12-04. Review status: criteria provided, single submitter. Criteria: Invitae Variant Classification Sherloc (09022015). Collection method: clinical testing. Allele origin: germline.
Comment: In summary, the available evidence is currently insufficient to determine the role of this variant in disease. Therefore, it has been classified as a Variant of Uncertain Significance. Advanced modeling of protein sequence and biophysical properties (such as structural, functional, and spatial information, amino acid conservation, physicochemical variation, residue mobility, and thermodynamic stability) performed at Invitae indicates that this missense variant is not expected to disrupt FHL2 protein function. This variant has not been reported in the literature in individuals affected with FHL2-related conditions. This variant is not present in population databases (gnomAD no frequency). This sequence change replaces asparagine, which is neutral and polar, with lysine, which is basic and polar, at codon 246 of the FHL2 protein (p.Asn246Lys).

NM_001318895.3(FHL2):c.738C>G (p.Asn246Lys)

Genes: C2orf49 (chromosome 2 open reading frame 49; plus strand), FHL2 (four and a half LIM domains 2; minus strand). Cytogenetic location: 2q12.2.
Variant type: single nucleotide variant.
Coding change: c.738C>G on transcript NM_001318895.3 (MANE Select); coding-DNA position 738, C replaced by G.
Protein change: p.Asn246Lys; replaces asparagine 246 with lysine.
Molecular consequence: missense variant.
Genome position (GRCh38, 1-based): chr2:105,361,385, G>C on the plus strand (C>G on the coding strand, the complement: FHL2 is on the minus strand). VCF-style: chr2-105361385-G-C. GRCh37 (hg19) VCF-style: chr2-105977842-G-C.
Other names: c.738C>G, p.Asn246Lys (NM_001039492.3, NM_001318894.1, NM_001318896.2 and 4 more transcripts); c.396C>G, p.Asn132Lys (NM_001318897.2, NM_001318898.2); c.414C>G, p.Asn138Lys (NM_001318899.2); short protein forms N138K, N132K, N246K.
Identifiers: ClinVar variation 2792970 (VCV002792970.3), dbSNP rs755230829, ClinGen allele CA347995368.